The following is an entry in ClinVar:

NM_001231.5(CASQ1):c.239C>T (p.Ala80Val)

Gene: CASQ1 (calsequestrin 1; plus strand). Cytogenetic location: 1q23.2.
Variant type: single nucleotide variant.
Coding change: c.239C>T on transcript NM_001231.5 (MANE Select); coding-DNA position 239, C replaced by T.
Protein change: p.Ala80Val; replaces alanine 80 with valine.
Molecular consequence: missense variant.
Genome position (GRCh38, 1-based): chr1:160,190,990, C>T. VCF-style: chr1-160190990-C-T. GRCh37 (hg19) VCF-style: chr1-160160780-C-T.
Other names: short protein forms A80V.
Identifiers: ClinVar variation 2104307 (VCV002104307.4), dbSNP rs754341004, ClinGen allele CA343250917.
Genomic context (GRCh38, chr1:160,190,990, plus strand): 5'-TGTTCAAGAAGTATGAGGTGCTGGCACTCCTCTACCATGAACCCCCCGAGGATGACAAGG[C>T]CTCACAAAGACAATTTGAGATGGAGGAGCTGATCCTGGAGGTGAGTTGGGGGCACTGCAG-3'
Protein context (NP_001222.3, residues 70-90): LYHEPPEDDK[Ala80Val]SQRQFEMEEL

ClinVar aggregate classification (germline): Uncertain significance (1 of 4 stars; one submission).

Allele frequency attached by ClinVar (database versions not stated): TOPMed below 0.00001.
gnomAD v4.1: 1 of 1,614,130 alleles (0.000062%); highest among the groups gnomAD compares: Non-Finnish European, 0.000085%; no homozygotes.

Submission:

Labcorp Genetics (formerly Invitae), Labcorp
Classification: Uncertain significance. Last evaluated: 2025-06-12. Review status: criteria provided, single submitter. Criteria: Invitae Variant Classification Sherloc (09022015). Collection method: clinical testing. Allele origin: germline.
Comment: This sequence change replaces alanine, which is neutral and non-polar, with valine, which is neutral and non-polar, at codon 80 of the CASQ1 protein (p.Ala80Val). This variant is not present in population databases (gnomAD no frequency). This variant has not been reported in the literature in individuals affected with CASQ1-related conditions. ClinVar contains an entry for this variant (Variation ID: 2104307). An algorithm developed to predict the effect of missense changes on protein structure and function (PolyPhen-2) suggests that this variant is likely to be tolerated. In summary, the available evidence is currently insufficient to determine the role of this variant in disease. Therefore, it has been classified as a Variant of Uncertain Significance.